The following is an entry in ClinVar:

NM_001868.4(CPA1):c.346A>G (p.Thr116Ala)

Gene: CPA1 (carboxypeptidase A1; plus strand). Cytogenetic location: 7q32.2.
Variant type: single nucleotide variant.
Coding change: c.346A>G on transcript NM_001868.4 (MANE Select); coding-DNA position 346, A replaced by G.
Protein change: p.Thr116Ala; replaces threonine 116 with alanine.
Molecular consequence: missense variant.
Genome position (GRCh38, 1-based): chr7:130,381,828, A>G. VCF-style: chr7-130381828-A-G. GRCh37 (hg19) VCF-style: chr7-130021669-A-G.
Other names: short protein forms T116A.
Identifiers: ClinVar variation 1403040 (VCV001403040.9), dbSNP rs368581566, ClinGen allele CA4484762.

ClinVar aggregate classification (germline): Uncertain significance. Review status: criteria provided, multiple submitters, no conflicts (2 of 4 stars). 2 submissions from 2 submitters: Uncertain significance (2). Last evaluated 2025-01-29.

Conditions:
Hereditary pancreatitis (PCTT). Also called: PRSS1-Related Hereditary Pancreatitis; Hereditary chronic pancreatitis. Identifiers: Orphanet 676, MedGen C0238339, MONDO:0008185, OMIM 167800.

Allele frequency attached by ClinVar (database versions not stated): gnomAD exomes below 0.00001; ExAC 0.00001; gnomAD 0.00001; TOPMed 0.00001; ESP Exome Variant Server 0.00008.
gnomAD v4.1: 4 of 1,613,904 alleles (0.00025%); highest among the groups gnomAD compares: African/African-American, 0.004%; no homozygotes.

Submissions (2):

Ambry Genetics
Classification: Uncertain significance for Hereditary pancreatitis. Last evaluated: 2025-01-29. Review status: criteria provided, single submitter. Criteria: Ambry Variant Classification Scheme 2023. Collection method: clinical testing. Allele origin: germline.
Comment: The p.T116A variant (also known as c.346A>G), located in coding exon 3 of the CPA1 gene, results from an A to G substitution at nucleotide position 346. The threonine at codon 116 is replaced by alanine, an amino acid with similar properties. This amino acid position is conserved. In addition, this alteration is predicted to be tolerated by in silico analysis. Since supporting evidence is limited at this time, the clinical significance of this alteration remains unclear.

Labcorp Genetics (formerly Invitae), Labcorp
Classification: Uncertain significance. Last evaluated: 2021-11-07. Review status: criteria provided, single submitter. Criteria: Invitae Variant Classification Sherloc (09022015). Collection method: clinical testing. Allele origin: germline.
Comment: This sequence change replaces threonine, which is neutral and polar, with alanine, which is neutral and non-polar, at codon 116 of the CPA1 protein (p.Thr116Ala). This variant is present in population databases (rs368581566, gnomAD 0.007%). This variant has not been reported in the literature in individuals affected with CPA1-related conditions. Algorithms developed to predict the effect of missense changes on protein structure and function output the following: SIFT: "Tolerated"; PolyPhen-2: "Benign"; Align-GVGD: "Class C0". The alanine amino acid residue is found in multiple mammalian species, which suggests that this missense change does not adversely affect protein function. In summary, the available evidence is currently insufficient to determine the role of this variant in disease. Therefore, it has been classified as a Variant of Uncertain Significance.